The following is an entry in ClinVar:

NM_015570.4(AUTS2):c.3337G>A (p.Asp1113Asn)

Gene: AUTS2 (activator of transcription and developmental regulator AUTS2; plus strand). Cytogenetic location: 7q11.22.
Variant type: single nucleotide variant.
Coding change: c.3337G>A on transcript NM_015570.4 (MANE Select); coding-DNA position 3337, G replaced by A.
Protein change: p.Asp1113Asn; replaces aspartic acid 1113 with asparagine.
Molecular consequence: missense variant.
Genome position (GRCh38, 1-based): chr7:70,790,553, G>A. VCF-style: chr7-70790553-G-A. GRCh37 (hg19) VCF-style: chr7-70255539-G-A.
Other names: c.3265G>A, p.Asp1089Asn (NM_001127231.3); short protein forms D1089N, D1113N.
Identifiers: ClinVar variation 3706948 (VCV003706948.2).

ClinVar aggregate classification (germline): Uncertain significance (1 of 4 stars; one submission).

gnomAD v4.1: 4 of 1,604,352 alleles (0.00025%); highest among the groups gnomAD compares: African/African-American, 0.0013%; no homozygotes.

Submission:

Labcorp Genetics (formerly Invitae), Labcorp
Classification: Uncertain significance. Last evaluated: 2024-07-03. Review status: criteria provided, single submitter. Criteria: Invitae Variant Classification Sherloc (09022015). Collection method: clinical testing. Allele origin: germline.
Comment: This sequence change replaces aspartic acid, which is acidic and polar, with asparagine, which is neutral and polar, at codon 1113 of the AUTS2 protein (p.Asp1113Asn). The frequency data for this variant in the population databases is considered unreliable, as metrics indicate poor data quality at this position in the gnomAD database. This variant has not been reported in the literature in individuals affected with AUTS2-related conditions. Advanced modeling of protein sequence and biophysical properties (such as structural, functional, and spatial information, amino acid conservation, physicochemical variation, residue mobility, and thermodynamic stability) performed at Invitae indicates that this missense variant is not expected to disrupt AUTS2 protein function with a negative predictive value of 80%. In summary, the available evidence is currently insufficient to determine the role of this variant in disease. Therefore, it has been classified as a Variant of Uncertain Significance.